The following is an entry in ClinVar:

NM_001621.5(AHR):c.269C>T (p.Ser90Phe)

Gene: AHR (aryl hydrocarbon receptor; plus strand). Cytogenetic location: 7p21.1.
Variant type: single nucleotide variant.
Coding change: c.269C>T on transcript NM_001621.5 (MANE Select); coding-DNA position 269, C replaced by T.
Protein change: p.Ser90Phe; replaces serine 90 with phenylalanine.
Molecular consequence: missense variant.
Genome position (GRCh38, 1-based): chr7:17,322,516, C>T. VCF-style: chr7-17322516-C-T. GRCh37 (hg19) VCF-style: chr7-17362140-C-T.
Other names: short protein forms S90F.
Identifiers: ClinVar variation 1376641 (VCV001376641.8), dbSNP rs774992729, ClinGen allele CA4171774.

ClinVar aggregate classification (germline): Uncertain significance (1 of 4 stars; one submission).

Allele frequency attached by ClinVar (database versions not stated): gnomAD exomes below 0.00001 and 0.00001; ExAC 0.00001; gnomAD 0.00003.
gnomAD v4.1: 9 of 1,610,180 alleles (0.00056%); highest among the groups gnomAD compares: African/African-American, 0.0027%; no homozygotes.

Submission:

Labcorp Genetics (formerly Invitae), Labcorp
Classification: Uncertain significance. Last evaluated: 2022-08-23. Review status: criteria provided, single submitter. Criteria: Invitae Variant Classification Sherloc (09022015). Collection method: clinical testing. Allele origin: germline.
Comment: Algorithms developed to predict the effect of missense changes on protein structure and function are either unavailable or do not agree on the potential impact of this missense change (SIFT: "Deleterious"; PolyPhen-2: "Benign"; Align-GVGD: "Class C15"). In summary, the available evidence is currently insufficient to determine the role of this variant in disease. Therefore, it has been classified as a Variant of Uncertain Significance. ClinVar contains an entry for this variant (Variation ID: 1376641). This variant has not been reported in the literature in individuals affected with AHR-related conditions. This variant is present in population databases (rs774992729, gnomAD 0.004%). This sequence change replaces serine, which is neutral and polar, with phenylalanine, which is neutral and non-polar, at codon 90 of the AHR protein (p.Ser90Phe).